The following is an entry in ClinVar:

ClinVar aggregate classification (germline): Likely benign. Review status: criteria provided, multiple submitters, no conflicts (2 of 4 stars). 2 submissions from 2 submitters: Likely benign (2). Last evaluated 2025-05-27.

Conditions:
MYLK-related disorder. Also called: MYLK-related condition.
Aortic aneurysm, familial thoracic 7 (AAT7). Also called: AORTIC DISSECTION, FAMILIAL, WITH OR WITHOUT AORTIC ANEURYSM. Identifiers: MedGen C3151077, MONDO:0013418, OMIM 613780.

Allele frequency attached by ClinVar (database versions not stated): gnomAD exomes below 0.00001; TOPMed below 0.00001; gnomAD 0.00001.
gnomAD v4.1: 5 of 1,613,782 alleles (0.00031%); highest among the groups gnomAD compares: East Asian, 0.0022%; no homozygotes.

Submissions (2):

Labcorp Genetics (formerly Invitae), Labcorp
Classification: Likely benign for Aortic aneurysm, familial thoracic 7. Last evaluated: 2025-05-27. Review status: criteria provided, single submitter. Criteria: Invitae Variant Classification Sherloc (09022015). Collection method: clinical testing. Allele origin: germline.

PreventionGenetics, part of Exact Sciences
Classification: Likely benign for MYLK-related condition. Last evaluated: 2025-03-25. Review status: criteria provided, single submitter. Criteria: ACMG Guidelines, 2015. Collection method: clinical testing. Allele origin: germline.
Comment: This variant is classified as likely benign based on ACMG/AMP sequence variant interpretation guidelines (Richards et al. 2015 PMID: 25741868, with internal and published modifications).

NM_053025.4(MYLK):c.3351C>A (p.Leu1117=)

Gene: MYLK (myosin light chain kinase; minus strand). Cytogenetic location: 3q21.1.
Variant type: single nucleotide variant.
Coding change: c.3351C>A on transcript NM_053025.4 (MANE Select); coding-DNA position 3351, C replaced by A.
Protein change: p.Leu1117=; no amino-acid change (leucine 1117 retained).
Molecular consequence: synonymous variant.
Genome position (GRCh38, 1-based): chr3:123,700,117, G>T on the plus strand (C>A on the coding strand, the complement: MYLK is on the minus strand). VCF-style: chr3-123700117-G-T. GRCh37 (hg19) VCF-style: chr3-123418964-G-T.
Other names: c.2823C>A, p.Leu941= (NM_001321309.2); c.3144C>A, p.Leu1048= (NM_053026.4, NM_053028.4); c.3351C>A, p.Leu1117= (NM_053027.4).
Identifiers: ClinVar variation 471721 (VCV000471721.9), dbSNP rs1240784181, ClinGen allele CA435431743.